The following is an entry in ClinVar:

ClinVar aggregate classification (germline): Likely benign. Review status: criteria provided, multiple submitters, no conflicts (2 of 4 stars). 4 submissions from 4 submitters: Likely benign (4). Last evaluated 2025-08-09.

Conditions:
Long QT syndrome (LQTS). Identifiers: MedGen C0023976, MeSH D008133, MONDO:0002442. Disease mechanism: loss of function. Inheritance: Various modes of inheritance.
Cardiac arrhythmia. Also called: Arrhythmia; Cardiac rhythm disease. Identifiers: MedGen C0003811, MONDO:0007263, HP:0011675.
Cardiovascular phenotype. Identifiers: MedGen CN230736.

Allele frequency attached by ClinVar (database versions not stated): ExAC 0.00001; gnomAD 0.00001 and 0.00002; gnomAD exomes 0.00001; TOPMed 0.00002.
gnomAD v4.1: 14 of 1,614,116 alleles (0.00087%); highest among the groups gnomAD compares: African/African-American, 0.0093%; no homozygotes.

Submissions (4):

Labcorp Genetics (formerly Invitae), Labcorp
Classification: Likely benign for Long QT syndrome. Last evaluated: 2025-08-09. Review status: criteria provided, single submitter. Criteria: Invitae Variant Classification Sherloc (09022015). Collection method: clinical testing. Allele origin: germline.

All of Us Research Program, National Institutes of Health
Classification: Likely benign for Long QT syndrome. Last evaluated: 2024-01-03. Review status: criteria provided, single submitter. Criteria: ACMG Guidelines, 2015. Collection method: clinical testing. Allele origin: germline. Inheritance: Autosomal dominant inheritance. Observed: 2 variant alleles, 2 heterozygotes.
Comment: This study involves interpretation of variants in research participants for the purpose of population health screening. Participant phenotype was not available at the time of variant classification. Additional details can be found in publication PMID: 35346344, PMCID: PMC8962531

Ambry Genetics
Classification: Likely benign for Cardiovascular phenotype. Last evaluated: 2023-06-29. Review status: criteria provided, single submitter. Criteria: Ambry Variant Classification Scheme 2023. Collection method: clinical testing. Allele origin: germline.

Color Diagnostics, LLC DBA Color Health
Classification: Likely benign for Arrhythmia. Last evaluated: 2019-01-25. Review status: criteria provided, single submitter. Criteria: ACMG Guidelines, 2015. Collection method: clinical testing. Allele origin: germline.

NM_000238.4(KCNH2):c.1425C>T (p.Tyr475=)

Gene: KCNH2 (potassium voltage-gated channel subfamily H member 2; minus strand). Cytogenetic location: 7q36.1.
Variant type: single nucleotide variant.
Coding change: c.1425C>T on transcript NM_000238.4 (MANE Select); coding-DNA position 1425, C replaced by T.
Protein change: p.Tyr475=; no amino-acid change (tyrosine 475 retained).
Molecular consequence: synonymous variant. On other transcripts: non-coding transcript variant (2).
Genome position (GRCh38, 1-based): chr7:150,952,557, G>A on the plus strand (C>T on the coding strand, the complement: KCNH2 is on the minus strand). VCF-style: chr7-150952557-G-A. GRCh37 (hg19) VCF-style: chr7-150649645-G-A.
Other names: c.405C>T, p.Tyr135= (NM_001204798.2, NM_172057.3); c.1137C>T, p.Tyr379= (NM_001406753.1, NM_001406756.1); c.1248C>T, p.Tyr416= (NM_001406755.1); c.1125C>T, p.Tyr375= (NM_001406757.1); c.1425C>T, p.Tyr475= (NM_172056.3).
Identifiers: ClinVar variation 926056 (VCV000926056.15), dbSNP rs760584131, ClinGen allele CA027959.
Genomic context (GRCh38, chr7:150,952,557, plus strand): 5'-CTTGAAGTAGTGGACGGCGATGCGGCCGGGGTGGCTGACCACCTCCTCGTTGGCATTGAC[G>A]TAGGTGGTGCGGAAGTTGATGAGGATGTCCACAATGAACATGATGTCCACGATGAGGTCC-3'
Protein context (NP_000229.1, residues 465-485): VDILINFRTT[Tyr475=]VNANEEVVSH